The following is an entry in ClinVar:

ClinVar aggregate classification (germline): Uncertain significance (1 of 4 stars; one submission).

Conditions:
Early Myoclonic Encephalopathy. Identifiers: MedGen C0270855.

gnomAD v4.1: 7 of 1,613,400 alleles (0.00043%); highest among the groups gnomAD compares: African/African-American, 0.0013%; no homozygotes.

Submission:

Labcorp Genetics (formerly Invitae), Labcorp
Classification: Uncertain significance for Early Myoclonic Encephalopathy. Last evaluated: 2025-12-01. Review status: criteria provided, single submitter. Criteria: Invitae Variant Classification Sherloc (09022015). Collection method: clinical testing. Allele origin: germline.
Comment: This sequence change replaces arginine, which is basic and polar, with histidine, which is basic and polar, at codon 411 of the KCND2 protein (p.Arg411His). This variant is present in population databases (rs779373502, gnomAD 0.004%). This variant has not been reported in the literature in individuals affected with KCND2-related conditions. ClinVar contains an entry for this variant (Variation ID: 3669036). Invitae Evidence Modeling of protein sequence and biophysical properties (such as structural, functional, and spatial information, amino acid conservation, physicochemical variation, residue mobility, and thermodynamic stability) has been performed for this missense variant. However, the output from this modeling did not meet the statistical confidence thresholds required to predict the impact of this variant on KCND2 protein function. In summary, the available evidence is currently insufficient to determine the role of this variant in disease. Therefore, it has been classified as a Variant of Uncertain Significance.

NM_012281.3(KCND2):c.1232G>A (p.Arg411His)

Gene: KCND2 (potassium voltage-gated channel subfamily D member 2; plus strand). Cytogenetic location: 7q31.31.
Variant type: single nucleotide variant.
Coding change: c.1232G>A on transcript NM_012281.3 (MANE Select); coding-DNA position 1232, G replaced by A.
Protein change: p.Arg411His; replaces arginine 411 with histidine.
Molecular consequence: missense variant.
Genome position (GRCh38, 1-based): chr7:120,733,019, G>A. VCF-style: chr7-120733019-G-A. GRCh37 (hg19) VCF-style: chr7-120373073-G-A.
Other names: short protein forms R411H.
Identifiers: ClinVar variation 3669036 (VCV003669036.2).
Genomic context (GRCh38, chr7:120,733,019, plus strand): 5'-CGCTGAGTGGGGTCTTGGTCATTGCTCTACCTGTTCCGGTGATTGTATCCAACTTCAGTC[G>A]CATCTACCACCAGAATCAACGAGCAGACAAACGAAGGGCACAAAAGGTGCGTATTCAACT-3'
Protein context (NP_036413.1, residues 401-421): PVPVIVSNFS[Arg411His]IYHQNQRADK